The following is an entry in ClinVar:

NM_002485.5(NBN):c.487T>C (p.Cys163Arg)

Gene: NBN (nibrin; minus strand). Cytogenetic location: 8q21.3.
Variant type: single nucleotide variant.
Coding change: c.487T>C on transcript NM_002485.5 (MANE Select); coding-DNA position 487, T replaced by C.
Protein change: p.Cys163Arg; replaces cysteine 163 with arginine.
Molecular consequence: missense variant.
Genome position (GRCh38, 1-based): chr8:89,978,317, A>G on the plus strand (T>C on the coding strand, the complement: NBN is on the minus strand). VCF-style: chr8-89978317-A-G. GRCh37 (hg19) VCF-style: chr8-90990545-A-G.
Other names: c.241T>C, p.Cys81Arg (NM_001024688.3); short protein forms C81R, C163R.
Identifiers: ClinVar variation 3917591 (VCV003917591.1).
Genomic context (GRCh38, chr8:89,978,317, plus strand): 5'-CTTTCAGGAATTCAGTAAAATATTCTGGCTTTACAATTGGACGTCCACAAATGAGTGCAC[A>G]TATTGTCTACAATGAAGAAAACATGTGAATATATATATTCACATGCTAGCATTTTTTAAA-3'
Protein context (NP_002476.2, residues 153-173): VSVKVTIKTI[Cys163Arg]ALICGRPIVK

ClinVar aggregate classification (germline): Uncertain significance (1 of 4 stars; one submission).

Conditions:
Hereditary cancer-predisposing syndrome. Also called: Hereditary Cancer Syndrome; Hereditary neoplastic syndrome; Neoplastic Syndromes, Hereditary; Tumor predisposition. Identifiers: Orphanet 140162, MedGen C0027672, MeSH D009386, MONDO:0015356.

gnomAD v4.1: 1 of 1,585,862 alleles (0.000063%); highest among the groups gnomAD compares: South Asian, 0.0011%; no homozygotes.

Submission:

Ambry Genetics
Classification: Uncertain significance for Hereditary cancer-predisposing syndrome. Last evaluated: 2025-04-07. Review status: criteria provided, single submitter. Criteria: Ambry Variant Classification Scheme 2023. Collection method: clinical testing. Allele origin: germline.
Comment: The p.C163R variant (also known as c.487T>C), located in coding exon 5 of the NBN gene, results from a T to C substitution at nucleotide position 487. The cysteine at codon 163 is replaced by arginine, an amino acid with highly dissimilar properties. This amino acid position is conserved. In addition, this alteration is predicted to be deleterious by in silico analysis. Based on the available evidence, the clinical significance of this variant remains unclear.